The following is an entry in ClinVar:

NM_053025.4(MYLK):c.2208_2230dup (p.Ile744fs)

Gene: MYLK (myosin light chain kinase; minus strand). Cytogenetic location: 3q21.1.
Variant type: Duplication.
Coding change: c.2208_2230dup on transcript NM_053025.4 (MANE Select); coding-DNA positions 2208 to 2230, 23 bases duplicated (GAGTGTCCTCATCTCCTGCGCCA).
Protein change: p.Ile744fs; shifts the reading frame from isoleucine 744.
Molecular consequence: frameshift variant.
Genome position (GRCh38, 1-based): chr3:123,707,914-123,707,936, TGGCGCAGGAGATGAGGACACTC duplicated on the plus strand (GAGTGTCCTCATCTCCTGCGCCA on the coding strand, the reverse complement: MYLK is on the minus strand); duplicating any 23 consecutive bases within chr3:123,707,914-123,707,940 gives the same sequence; the c. name uses the placement nearest the transcript's 3' end. VCF-style (leftmost placement, unchanged base first): chr3-123707913-A-ATGGCGCAGGAGATGAGGACACTC. GRCh37 (hg19) VCF-style: chr3-123426760-A-ATGGCGCAGGAGATGAGGACACTC.
Other names: p.Ile744Argfs*9; c.1680_1702dup, p.Ile568fs (NM_001321309.2); c.2001_2023dup, p.Ile675fs (NM_053026.4, NM_053028.4); c.2208_2230dup, p.Ile744fs (NM_053027.4); short protein forms I744fs, I568fs, I675fs.
Identifiers: ClinVar variation 4795876 (VCV004795876.1).

ClinVar aggregate classification (germline): Likely pathogenic (1 of 4 stars; one submission).

Conditions:
Aortic aneurysm, familial thoracic 7 (AAT7). Also called: AORTIC DISSECTION, FAMILIAL, WITH OR WITHOUT AORTIC ANEURYSM. Identifiers: MedGen C3151077, MONDO:0013418, OMIM 613780.

Submission:

Department of Medical Genetics, Tarbiat Modares University
Classification: Likely pathogenic for Aortic aneurysm, familial thoracic 7. Last evaluated: 2026-02-18. Review status: criteria provided, single submitter. Criteria: ACMG Guidelines, 2015. Collection method: clinical testing. Allele origin: germline. Inheritance: Autosomal dominant inheritance. Observed: 1 variant allele.
Comment: This variant is a frameshift duplication predicted to result in a premature termination codon (p.Ile744Argfs*9). Loss-of-function is an established disease mechanism for MYLK. The variant is absent from population databases (gnomAD). Classification is based on ACMG/AMP criteria PVS1 and PM2. Segregation analysis identified the variant in affected and unaffected family members, consistent with reduced or age-dependent penetrance.

Literature cited by the submitters: PubMed 21055718.